The following is an entry in ClinVar:

NM_004336.5(BUB1):c.547G>C (p.Ala183Pro)

Gene: BUB1 (BUB1 mitotic checkpoint serine/threonine kinase; minus strand). Cytogenetic location: 2q13.
Variant type: single nucleotide variant.
Coding change: c.547G>C on transcript NM_004336.5 (MANE Select); coding-DNA position 547, G replaced by C.
Protein change: p.Ala183Pro; replaces alanine 183 with proline.
Molecular consequence: missense variant.
Genome position (GRCh38, 1-based): chr2:110,669,473, C>G on the plus strand (G>C on the coding strand, the complement: BUB1 is on the minus strand). VCF-style: chr2-110669473-C-G. GRCh37 (hg19) VCF-style: chr2-111427050-C-G.
Other names: c.487G>C, p.Ala163Pro (NM_001278616.2); c.547G>C, p.Ala183Pro (NM_001278617.2); short protein forms A163P, A183P.
Identifiers: ClinVar variation 1747795 (VCV001747795.2), dbSNP rs1366279538, ClinGen allele CA348219109.

ClinVar aggregate classification (germline): Uncertain significance (1 of 4 stars; one submission).

Allele frequency attached by ClinVar (database versions not stated): gnomAD exomes below 0.00001; gnomAD 0.00001.
gnomAD v4.1: 3 of 1,597,852 alleles (0.00019%); highest among the groups gnomAD compares: Admixed American, 0.005%; no homozygotes.

Submission:

Ambry Genetics
Classification: Uncertain significance. Last evaluated: 2022-08-23. Review status: criteria provided, single submitter. Criteria: Ambry Variant Classification Scheme 2023. Collection method: clinical testing. Allele origin: germline.
Comment: The p.A183P variant (also known as c.547G>C), located in coding exon 6 of the BUB1 gene, results from a G to C substitution at nucleotide position 547. The alanine at codon 183 is replaced by proline, an amino acid with highly similar properties. This amino acid position is conserved. In addition, this alteration is predicted to be tolerated by in silico analysis. Since supporting evidence is limited at this time, the clinical significance of this alteration remains unclear.